The following is an entry in ClinVar:

NM_002519.3(NPAT):c.704C>G (p.Pro235Arg)

Gene: NPAT (nuclear protein, coactivator of histone transcription; minus strand). Cytogenetic location: 11q22.3.
Variant type: single nucleotide variant.
Coding change: c.704C>G on transcript NM_002519.3 (MANE Select); coding-DNA position 704, C replaced by G.
Protein change: p.Pro235Arg; replaces proline 235 with arginine.
Molecular consequence: missense variant.
Genome position (GRCh38, 1-based): chr11:108,186,504, G>C on the plus strand (C>G on the coding strand, the complement: NPAT is on the minus strand). VCF-style: chr11-108186504-G-C. GRCh37 (hg19) VCF-style: chr11-108057231-G-C.
Other names: c.704C>G, p.Pro235Arg (NM_001321307.1); short protein forms P235R.
Identifiers: ClinVar variation 1756872 (VCV001756872.2), dbSNP rs2496740254, ClinGen allele CA382522218.

ClinVar aggregate classification (germline): Uncertain significance (1 of 4 stars; one submission).

Submission:

Ambry Genetics
Classification: Uncertain significance. Last evaluated: 2021-11-07. Review status: criteria provided, single submitter. Criteria: Ambry Variant Classification Scheme 2023. Collection method: clinical testing. Allele origin: germline.
Comment: The p.P235R variant (also known as c.704C>G), located in coding exon 8 of the NPAT gene, results from a C to G substitution at nucleotide position 704. The proline at codon 235 is replaced by arginine, an amino acid with dissimilar properties. This amino acid position is conserved. In addition, this alteration is predicted to be tolerated by in silico analysis. Since supporting evidence is limited at this time, the clinical significance of this alteration remains unclear.